The following is an entry in ClinVar:

ClinVar aggregate classification (germline): Uncertain significance (1 of 4 stars; one submission).

Allele frequency attached by ClinVar (database versions not stated): gnomAD exomes 0.00001.
gnomAD v4.1: 3 of 1,607,062 alleles (0.00019%); highest among the groups gnomAD compares: Non-Finnish European, 0.00025%; no homozygotes.

Submission:

Labcorp Genetics (formerly Invitae), Labcorp
Classification: Uncertain significance. Last evaluated: 2022-06-16. Review status: criteria provided, single submitter. Criteria: Invitae Variant Classification Sherloc (09022015). Collection method: clinical testing. Allele origin: germline.
Comment: Algorithms developed to predict the effect of missense changes on protein structure and function output the following: SIFT: "Tolerated"; PolyPhen-2: "Benign"; Align-GVGD: "Class C0". The threonine amino acid residue is found in multiple mammalian species, which suggests that this missense change does not adversely affect protein function. In summary, the available evidence is currently insufficient to determine the role of this variant in disease. Therefore, it has been classified as a Variant of Uncertain Significance. This sequence change replaces serine, which is neutral and polar, with threonine, which is neutral and polar, at codon 325 of the LARP7 protein (p.Ser325Thr). This variant is not present in population databases (gnomAD no frequency). This variant has not been reported in the literature in individuals affected with LARP7-related conditions.

NM_016648.4(LARP7):c.973T>A (p.Ser325Thr)

Genes: LARP7 (La ribonucleoprotein 7, transcriptional regulator; plus strand), MIR302CHG (miR-302/367 cluster host gene; minus strand). Cytogenetic location: 4q25.
Variant type: single nucleotide variant.
Coding change: c.973T>A on transcript NM_016648.4 (MANE Select); coding-DNA position 973, T replaced by A.
Protein change: p.Ser325Thr; replaces serine 325 with threonine.
Molecular consequence: missense variant.
Genome position (GRCh38, 1-based): chr4:112,647,525, T>A. VCF-style: chr4-112647525-T-A. GRCh37 (hg19) VCF-style: chr4-113568681-T-A.
Other names: c.973T>A, p.Ser325Thr (NM_001267039.4, NM_001370974.1, NM_001370975.1 and 2 more transcripts); c.970T>A, p.Ser324Thr (NM_001370976.1, NM_001370977.1, NM_001370979.1 and 1 more transcripts); c.736T>A, p.Ser246Thr (NM_001370981.1, NM_001370982.1); short protein forms S325T, S246T, S324T.
Identifiers: ClinVar variation 1926279 (VCV001926279.5), dbSNP rs2477789957, ClinGen allele CA357926310.
Genomic context (GRCh38, chr4:112,647,525, plus strand): 5'-TCCCTAGCTCCCCGATCAAAAGTAAAGAAAATTATTCAGAAAGACATCATTAAGGAAGCA[T>A]CAGAAGCTTCCAAGGAAAATAGAGGTAAAACTACAAGGTTTTAATTAGATAAAACTAATT-3'
Protein context (NP_057732.2, residues 315-335): IIQKDIIKEA[Ser325Thr]EASKENRDIE